The following is an entry in ClinVar:

ClinVar aggregate classification (germline): Uncertain significance. Review status: criteria provided, multiple submitters, no conflicts (2 of 4 stars). 4 submissions from 4 submitters: Uncertain significance (4). Last evaluated 2025-01-06.

Conditions:
Inborn genetic diseases. Identifiers: MedGen C0950123, MeSH D030342.
Developmental and epileptic encephalopathy, 18 (DEE18). Also called: Early infantile epileptic encephalopathy 18. Identifiers: Orphanet 369894, MedGen C3809624, MONDO:0014201, OMIM 615476.

Allele frequency attached by ClinVar (database versions not stated): ExAC 0.00001; gnomAD 0.00001; gnomAD exomes 0.00001; TOPMed 0.00001.
gnomAD v4.1: 19 of 1,613,926 alleles (0.0012%); highest among the groups gnomAD compares: East Asian, 0.0045%; no homozygotes.

Submissions (4):

Labcorp Genetics (formerly Invitae), Labcorp
Classification: Uncertain significance. Last evaluated: 2025-01-06. Review status: criteria provided, single submitter. Criteria: Invitae Variant Classification Sherloc (09022015). Collection method: clinical testing. Allele origin: germline.
Comment: This sequence change replaces arginine, which is basic and polar, with cysteine, which is neutral and slightly polar, at codon 1641 of the SZT2 protein (p.Arg1641Cys). This variant is present in population databases (rs765555116, gnomAD 0.01%). This missense change has been observed in individual(s) with autism spectrum disorder (PMID: 35982160). ClinVar contains an entry for this variant (Variation ID: 841297). Invitae Evidence Modeling of protein sequence and biophysical properties (such as structural, functional, and spatial information, amino acid conservation, physicochemical variation, residue mobility, and thermodynamic stability) indicates that this missense variant is expected to disrupt SZT2 protein function with a positive predictive value of 80%. In summary, the available evidence is currently insufficient to determine the role of this variant in disease. Therefore, it has been classified as a Variant of Uncertain Significance.

GeneDx
Classification: Uncertain significance. Last evaluated: 2024-09-04. Review status: criteria provided, single submitter. Criteria: GeneDx Variant Classification Process June 2021. Collection method: clinical testing. Allele origin: germline. Affected: yes.
Comment: Not observed at significant frequency in large population cohorts (gnomAD); In silico analysis supports that this missense variant has a deleterious effect on protein structure/function; Reported as a single heterozygous variant in one individual from a large cohort of patients with autism (PMID: 35982160); This variant is associated with the following publications: (PMID: 35982160)

Ambry Genetics
Classification: Uncertain significance for Inborn genetic diseases. Last evaluated: 2023-08-19. Review status: criteria provided, single submitter. Criteria: Ambry Variant Classification Scheme 2023. Collection method: clinical testing. Allele origin: germline.

Genome-Nilou Lab
Classification: Uncertain significance for Developmental and epileptic encephalopathy, 18. Last evaluated: 2023-04-11. Review status: criteria provided, single submitter. Criteria: ACMG Guidelines, 2015. Collection method: clinical testing. Allele origin: germline. Affected: no.

Literature cited by the submitters: PubMed 35982160 (cited by Labcorp Genetics (formerly Invitae), Labcorp).

NM_001365999.1(SZT2):c.5092C>T (p.Arg1698Cys)

Gene: SZT2 (SZT2 subunit of KICSTOR complex; plus strand). Cytogenetic location: 1p34.2.
Variant type: single nucleotide variant.
Coding change: c.5092C>T on transcript NM_001365999.1 (MANE Select); coding-DNA position 5092, C replaced by T.
Protein change: p.Arg1698Cys; replaces arginine 1698 with cysteine.
Molecular consequence: missense variant.
Genome position (GRCh38, 1-based): chr1:43,431,719, C>T. VCF-style: chr1-43431719-C-T. GRCh37 (hg19) VCF-style: chr1-43897390-C-T.
Other names: c.4921C>T, p.Arg1641Cys (NM_015284.4); short protein forms R1641C, R1698C.
Identifiers: ClinVar variation 841297 (VCV000841297.11), dbSNP rs765555116, ClinGen allele CA809488.